The following is an entry in ClinVar:

ClinVar aggregate classification (germline): Uncertain significance. Review status: criteria provided, single submitter (1 of 4 stars). 2 submissions from 2 submitters: Uncertain significance (1). 1 of the submissions does not count toward it. Last evaluated 2024-10-22.

Conditions:
Dyskeratosis congenita, autosomal recessive 5 (DKCB5). Identifiers: MedGen C3554656, MONDO:0014076, OMIM 615190.
Pulmonary fibrosis and/or bone marrow failure, Telomere-related, 3. Also called: PULMONARY FIBROSIS AND/OR BONE MARROW FAILURE SYNDROME, TELOMERE-RELATED, 3. Identifiers: Orphanet 2032, MedGen C4225346, MONDO:0014613, OMIM 616373.
Dyskeratosis congenita. Identifiers: Orphanet 1775, MedGen C0265965, MONDO:0015780.

Allele frequency attached by ClinVar (database versions not stated): ExAC 0.00001; gnomAD 0.00001.
gnomAD v4.1: 17 of 1,612,476 alleles (0.0011%); highest among the groups gnomAD compares: Non-Finnish European, 0.0014%; no homozygotes.

Submissions (2):

Labcorp Genetics (formerly Invitae), Labcorp
Classification: Uncertain significance for Dyskeratosis congenita, autosomal recessive 5; Pulmonary fibrosis and/or bone marrow failure, Telomere-related, 3. Last evaluated: 2024-10-22. Review status: criteria provided, single submitter. Criteria: Invitae Variant Classification Sherloc (09022015). Collection method: clinical testing. Allele origin: germline.
Comment: This sequence change replaces asparagine, which is neutral and polar, with histidine, which is basic and polar, at codon 911 of the RTEL1 protein (p.Asn911His). This variant is present in population databases (rs754727644, gnomAD 0.0009%). This variant has not been reported in the literature in individuals affected with RTEL1-related conditions. ClinVar contains an entry for this variant (Variation ID: 1063201). An algorithm developed to predict the effect of missense changes on protein structure and function (PolyPhen-2) suggests that this variant is likely to be tolerated. In summary, the available evidence is currently insufficient to determine the role of this variant in disease. Therefore, it has been classified as a Variant of Uncertain Significance.

Natera, Inc.
Classification: Uncertain significance for Dyskeratosis congenita. Last evaluated: 2021-03-16. Review status: no assertion criteria provided. Collection method: clinical testing. Allele origin: germline. Not counted in ClinVar's aggregate classification.

NM_001283009.2(RTEL1):c.2731A>C (p.Asn911His)

Genes: RTEL1-TNFRSF6B (RTEL1-TNFRSF6B readthrough (NMD candidate); plus strand), RTEL1 (regulator of telomere elongation helicase 1; plus strand). Cytogenetic location: 20q13.33.
Variant type: single nucleotide variant.
Coding change: c.2731A>C on transcript NM_001283009.2 (MANE Select); coding-DNA position 2731, A replaced by C.
Protein change: p.Asn911His; replaces asparagine 911 with histidine.
Molecular consequence: missense variant. On other transcripts: non-coding transcript variant (1).
Genome position (GRCh38, 1-based): chr20:63,692,883, A>C. VCF-style: chr20-63692883-A-C. GRCh37 (hg19) VCF-style: chr20-62324236-A-C.
Other names: c.2062A>C, p.Asn688His (NM_001283010.1); c.2731A>C, p.Asn911His (NM_016434.4); c.2803A>C, p.Asn935His (NM_032957.5); short protein forms N688H, N911H, N935H.
Identifiers: ClinVar variation 1063201 (VCV001063201.7), dbSNP rs754727644, ClinGen allele CA9965515.
Genomic context (GRCh38, chr20:63,692,883, plus strand): 5'-GCACAGACGGACAGGGCCAAGCTCTTCATGGTGGCCGTGAAGCAGGAGTTGAGCCAAGCC[A>C]ACTTTGCCACCTTCACCCAGGCCCTGCAGGACTACAAGGGTTCCGATGACTTCGCCGCCC-3'
Protein context (NP_001269938.1, residues 901-921): VAVKQELSQA[Asn911His]FATFTQALQD